The following is an entry in ClinVar:

NM_020975.6(RET):c.1220C>T (p.Thr407Ile)

Gene: RET (ret proto-oncogene; plus strand). Cytogenetic location: 10q11.21.
Variant type: single nucleotide variant.
Coding change: c.1220C>T on transcript NM_020975.6 (MANE Select); coding-DNA position 1220, C replaced by T.
Protein change: p.Thr407Ile; replaces threonine 407 with isoleucine.
Molecular consequence: missense variant.
Genome position (GRCh38, 1-based): chr10:43,109,187, C>T. VCF-style: chr10-43109187-C-T. GRCh37 (hg19) VCF-style: chr10-43604635-C-T.
Other names: c.1220C>T, p.Thr407Ile (NM_000323.2, NM_001406743.1, NM_001406744.1 and 6 more transcripts); c.458C>T, p.Thr153Ile (NM_001355216.2); c.1091C>T, p.Thr364Ile (NM_001406761.1, NM_001406762.1, NM_001406764.1 and 1 more transcripts); c.932C>T, p.Thr311Ile (NM_001406766.1, NM_001406767.1, NM_001406770.1); c.782C>T, p.Thr261Ile (NM_001406771.1, NM_001406773.1); c.494C>T, p.Thr165Ile (NM_001406775.1, NM_001406776.1, NM_001406777.1 and 1 more transcripts); c.230C>T, p.Thr77Ile (NM_001406784.1); short protein forms T153I, T407I, T165I, T261I, T364I, T311I, T77I.
Identifiers: ClinVar variation 963025 (VCV000963025.10), dbSNP rs1837858286, ClinGen allele CA376547893.

ClinVar aggregate classification (germline): Uncertain significance. Review status: criteria provided, multiple submitters, no conflicts (2 of 4 stars). 4 submissions from 4 submitters: Uncertain significance (4). Last evaluated 2025-10-28.

Conditions:
Hereditary cancer-predisposing syndrome. Also called: Tumor predisposition; Hereditary neoplastic syndrome; Hereditary Cancer Syndrome; Neoplastic Syndromes, Hereditary. Identifiers: Orphanet 140162, MedGen C0027672, MeSH D009386, MONDO:0015356.
Multiple endocrine neoplasia, type 2 (MEN2). Identifiers: Orphanet 653, MedGen C4048306, MONDO:0019003. Disease mechanism: gain of function.

Allele frequency attached by ClinVar (database versions not stated): gnomAD exomes below 0.00001; gnomAD 0.00001.

Submissions (4):

Women's Health and Genetics/Laboratory Corporation of America, LabCorp
Classification: Uncertain significance. Last evaluated: 2025-10-28. Review status: criteria provided, single submitter. Criteria: LabCorp Variant Classification Summary - May 2015. Collection method: clinical testing. Allele origin: germline.
Comment: Variant summary: RET c.1220C>T (p.Thr407Ile) results in a non-conservative amino acid change in the encoded protein sequence. Algorithms developed to predict the effect of missense changes on protein structure and function are either unavailable or do not agree on the potential impact of this missense change. The variant was absent in 250980 control chromosomes. The available data on variant occurrences in the general population are insufficient to allow any conclusion about variant significance. To our knowledge, no occurrence of c.1220C>T in individuals affected with RET-related conditions and no experimental evidence demonstrating its impact on protein function have been reported. ClinVar contains an entry for this variant (Variation ID: 963025). Based on the evidence outlined above, the variant was classified as uncertain significance.

Labcorp Genetics (formerly Invitae), Labcorp
Classification: Uncertain significance for Multiple endocrine neoplasia, type 2. Last evaluated: 2025-09-24. Review status: criteria provided, single submitter. Criteria: Invitae Variant Classification Sherloc (09022015). Collection method: clinical testing. Allele origin: germline.
Comment: This sequence change replaces threonine, which is neutral and polar, with isoleucine, which is neutral and non-polar, at codon 407 of the RET protein (p.Thr407Ile). This variant is not present in population databases (gnomAD no frequency). This variant has not been reported in the literature in individuals affected with RET-related conditions. ClinVar contains an entry for this variant (Variation ID: 963025). An algorithm developed to predict the effect of missense changes on protein structure and function (PolyPhen-2) suggests that this variant is likely to be tolerated. In summary, the available evidence is currently insufficient to determine the role of this variant in disease. Therefore, it has been classified as a Variant of Uncertain Significance.

GeneDx
Classification: Uncertain significance. Last evaluated: 2025-04-08. Review status: criteria provided, single submitter. Criteria: GeneDx Variant Classification Process June 2021. Collection method: clinical testing. Allele origin: germline. Affected: yes.
Comment: Not observed at significant frequency in large population cohorts (gnomAD); In silico analysis indicates that this missense variant does not alter protein structure/function; Has not been previously published as pathogenic or benign to our knowledge

Ambry Genetics
Classification: Uncertain significance for Hereditary cancer-predisposing syndrome. Last evaluated: 2024-03-06. Review status: criteria provided, single submitter. Criteria: Ambry Variant Classification Scheme 2023. Collection method: clinical testing. Allele origin: germline.
Comment: The p.T407I variant (also known as c.1220C>T), located in coding exon 6 of the RET gene, results from a C to T substitution at nucleotide position 1220. The threonine at codon 407 is replaced by isoleucine, an amino acid with similar properties. This amino acid position is conserved. In addition, this alteration is predicted to be tolerated by in silico analysis. Based on the available evidence, the clinical significance of this alteration remains unclear.